The following is an entry in ClinVar:

NM_001379286.1(ZNF423):c.1538G>A (p.Gly513Asp)

Gene: ZNF423 (zinc finger protein 423; minus strand). Cytogenetic location: 16q12.1.
Variant type: single nucleotide variant.
Coding change: c.1538G>A on transcript NM_001379286.1 (MANE Select); coding-DNA position 1538, G replaced by A.
Protein change: p.Gly513Asp; replaces glycine 513 with aspartic acid.
Molecular consequence: missense variant.
Genome position (GRCh38, 1-based): chr16:49,637,638, C>T on the plus strand (G>A on the coding strand, the complement: ZNF423 is on the minus strand). VCF-style: chr16-49637638-C-T. GRCh37 (hg19) VCF-style: chr16-49671549-C-T.
Other names: c.1334G>A, p.Gly445Asp (NM_001271620.2); c.1163G>A, p.Gly388Asp (NM_001330533.2); c.1514G>A, p.Gly505Asp (NM_015069.5); short protein forms G445D, G388D, G505D, G513D.
Identifiers: ClinVar variation 1438343 (VCV001438343.8), dbSNP rs144075265, ClinGen allele CA281212598.
Genomic context (GRCh38, chr16:49,637,638, plus strand): 5'-CCCATGGAGCACTGGTTGCAGAAGAAAGCATTATTACCGTCAGAGGGGTTGGCGTTGGGG[C>T]CGCAGTGGGAGACGCGGATGTGCTCCTGCAGGCTATTGATGTCGGCGAACATCTCGGGGC-3'
Protein context (NP_001366215.1, residues 503-523): LQEHIRVSHC[Gly513Asp]PNANPSDGNN

ClinVar aggregate classification (germline): Uncertain significance (1 of 4 stars; one submission).

Conditions:
Nephronophthisis 14 (NPHP14). Identifiers: Orphanet 2318, MedGen C3539071, MONDO:0013916, OMIM 614844.

Allele frequency attached by ClinVar (database versions not stated): gnomAD exomes below 0.00001; TOPMed 0.00001; gnomAD 0.00002; ESP Exome Variant Server 0.00008.

Submission:

Labcorp Genetics (formerly Invitae), Labcorp
Classification: Uncertain significance for Nephronophthisis 14. Last evaluated: 2022-05-12. Review status: criteria provided, single submitter. Criteria: Invitae Variant Classification Sherloc (09022015). Collection method: clinical testing. Allele origin: germline.
Comment: This sequence change replaces glycine, which is neutral and non-polar, with aspartic acid, which is acidic and polar, at codon 505 of the ZNF423 protein (p.Gly505Asp). In summary, the available evidence is currently insufficient to determine the role of this variant in disease. Therefore, it has been classified as a Variant of Uncertain Significance. Algorithms developed to predict the effect of missense changes on protein structure and function (SIFT, PolyPhen-2, Align-GVGD) all suggest that this variant is likely to be tolerated. This variant has not been reported in the literature in individuals affected with ZNF423-related conditions. This variant is not present in population databases (gnomAD no frequency).